The following is an entry in ClinVar:

ClinVar aggregate classification (germline): Benign. Review status: criteria provided, multiple submitters, no conflicts (2 of 4 stars). 3 submissions from 3 submitters: Benign (3). Last evaluated 2026-01-26.

Allele frequency attached by ClinVar (database versions not stated): 1000 Genomes Project 30x 0.03248; 1000 Genomes Project 0.03375; TOPMed 0.04389; gnomAD 0.04802 and 0.04811; ESP Exome Variant Server 0.05321; gnomAD exomes 0.05494 and 0.06833; ExAC 0.05591.
gnomAD v4.1: 106,841 of 1,613,960 alleles (6.6%); highest among the groups gnomAD compares: Middle Eastern, 9%; 3,902 homozygotes.

Submissions (3):

Labcorp Genetics (formerly Invitae), Labcorp
Classification: Benign. Last evaluated: 2026-01-26. Review status: criteria provided, single submitter. Criteria: Invitae Variant Classification Sherloc (09022015). Collection method: clinical testing. Allele origin: germline.

GeneDx
Classification: Benign. Last evaluated: 2018-05-16. Review status: criteria provided, single submitter. Criteria: GeneDx Variant Classification (06012015). Collection method: clinical testing. Allele origin: germline. Affected: yes.
Comment: This variant is considered likely benign or benign based on one or more of the following criteria: it is a conservative change, it occurs at a poorly conserved position in the protein, it is predicted to be benign by multiple in silico algorithms, and/or has population frequency not consistent with disease.

Breakthrough Genomics
Classification: Benign. Review status: criteria provided, single submitter. Criteria: ACMG Guidelines, 2015. Collection method: not provided. Allele origin: germline. Inheritance: Autosomal recessive inheritance. Affected: yes.

NM_001267052.2(UNC45B):c.2549T>A (p.Ile850Asn)

Gene: UNC45B (unc-45 myosin chaperone B; plus strand). Cytogenetic location: 17q12.
Variant type: single nucleotide variant.
Coding change: c.2549T>A on transcript NM_001267052.2 (MANE Select); coding-DNA position 2549, T replaced by A.
Protein change: p.Ile850Asn; replaces isoleucine 850 with asparagine.
Molecular consequence: missense variant.
Genome position (GRCh38, 1-based): chr17:35,186,318, T>A. VCF-style: chr17-35186318-T-A. GRCh37 (hg19) VCF-style: chr17-33513337-T-A.
Other names: c.2549T>A, p.Ile850Asn (NM_001033576.2); c.2312T>A, p.Ile771Asn (NM_001308281.1); c.2555T>A, p.Ile852Asn (NM_173167.3); short protein forms I850N, I771N, I852N.
Identifiers: ClinVar variation 677287 (VCV000677287.10), dbSNP rs11654824, ClinGen allele CA8501579.